The following is an entry in ClinVar:

ClinVar aggregate classification (germline): Likely pathogenic. Review status: criteria provided, multiple submitters, no conflicts (2 of 4 stars). 4 submissions from 4 submitters: Likely pathogenic (3). 1 of the submissions does not count toward it. Last evaluated 2025-07-15.

Conditions:
ABCA4-related disorder. Also called: ABCA4-related disorders; ABCA4-related condition. Identifiers: MedGen CN239167.
Stargardt disease (FFM). Also called: Stargardt's disease; Fundus flavimaculatus. Identifiers: Orphanet 827, MedGen C0271093, MONDO:0019353.
maculopathy.

Allele frequency attached by ClinVar (database versions not stated): gnomAD exomes below 0.00001; TOPMed below 0.00001.
gnomAD v4.1: 1 of 1,614,144 alleles (0.000062%); highest among the groups gnomAD compares: Non-Finnish European, 0.000085%; no homozygotes.

Submissions (4):

Women's Health and Genetics/Laboratory Corporation of America, LabCorp
Classification: Likely pathogenic for Stargardt disease. Last evaluated: 2025-07-15. Review status: criteria provided, single submitter. Criteria: LabCorp Variant Classification Summary - May 2015. Collection method: clinical testing. Allele origin: germline.
Comment: Variant summary: ABCA4 c.5822A>C (p.His1941Pro) results in a non-conservative amino acid change in the encoded protein sequence. Algorithms developed to predict the effect of missense changes on protein structure and function are either unavailable or do not agree on the potential impact of this missense change. The variant allele was found at a frequency of 4e-06 in 251492 control chromosomes. c.5822A>C has been observed in individual(s) affected with Stargardt Disease or Maculopathy (Zaneveld_2015, Sharon_2020, Cornelis_2022, Schlottmann_2023, internal data). These data indicate that the variant is likely to be associated with disease. To our knowledge, no experimental evidence demonstrating an impact on protein function has been reported. The following publications have been ascertained in the context of this evaluation (PMID: 35120629, 37217489, 31456290, 25474345). ClinVar contains an entry for this variant (Variation ID: 812196). Based on the evidence outlined above, the variant was classified as likely pathogenic.

Labcorp Genetics (formerly Invitae), Labcorp
Classification: Likely pathogenic. Last evaluated: 2024-10-20. Review status: criteria provided, single submitter. Criteria: Invitae Variant Classification Sherloc (09022015). Collection method: clinical testing. Allele origin: germline.
Comment: This sequence change replaces histidine, which is basic and polar, with proline, which is neutral and non-polar, at codon 1941 of the ABCA4 protein (p.His1941Pro). This variant is present in population databases (no rsID available, gnomAD 0.0009%). This missense change has been observed in individual(s) with maculopathy and/or Stargardt disease (PMID: 25474345, 31456290, 35120629; internal data). ClinVar contains an entry for this variant (Variation ID: 812196). Invitae Evidence Modeling of protein sequence and biophysical properties (such as structural, functional, and spatial information, amino acid conservation, physicochemical variation, residue mobility, and thermodynamic stability) has been performed for this missense variant. However, the output from this modeling did not meet the statistical confidence thresholds required to predict the impact of this variant on ABCA4 protein function. In summary, the currently available evidence indicates that the variant is pathogenic, but additional data are needed to prove that conclusively. Therefore, this variant has been classified as Likely Pathogenic.

Blueprint Genetics
Classification: Likely pathogenic for ABCA4-related disorders. Last evaluated: 2022-07-05. Review status: criteria provided, single submitter. Criteria: ACMG Guidelines, 2015. Collection method: clinical testing. Allele origin: germline. Affected: yes. Observed: 3 variant alleles.

Sharon lab, Hadassah-Hebrew University Medical Center
Classification: Likely pathogenic for Maculopathy. Last evaluated: 2019-06-23. Review status: no assertion criteria provided. Collection method: research. Allele origin: inherited. Affected: yes. Not counted in ClinVar's aggregate classification.

Literature cited by the submitters: PubMed 25474345 (cited by Women's Health and Genetics/Laboratory Corporation of America, LabCorp and Labcorp Genetics (formerly Invitae), Labcorp); PubMed 31456290 (cited by Women's Health and Genetics/Laboratory Corporation of America, LabCorp and Labcorp Genetics (formerly Invitae), Labcorp); PubMed 37217489 (cited by Women's Health and Genetics/Laboratory Corporation of America, LabCorp); PubMed 35120629 (cited by Women's Health and Genetics/Laboratory Corporation of America, LabCorp and Labcorp Genetics (formerly Invitae), Labcorp).

NM_000350.3(ABCA4):c.5822A>C (p.His1941Pro)

Gene: ABCA4 (ATP binding cassette subfamily A member 4; minus strand). Cytogenetic location: 1p22.1.
Variant type: single nucleotide variant.
Coding change: c.5822A>C on transcript NM_000350.3 (MANE Select); coding-DNA position 5822, A replaced by C.
Protein change: p.His1941Pro; replaces histidine 1941 with proline.
Molecular consequence: missense variant.
Genome position (GRCh38, 1-based): chr1:94,008,764, T>G on the plus strand (A>C on the coding strand, the complement: ABCA4 is on the minus strand). VCF-style: chr1-94008764-T-G. GRCh37 (hg19) VCF-style: chr1-94474320-T-G.
Other names: c.5600A>C, p.His1867Pro (NM_001425324.1); short protein forms H1941P, H1867P.
Identifiers: ClinVar variation 812196 (VCV000812196.9), dbSNP rs1161119501, ClinGen allele CA341280140.
Genomic context (GRCh38, chr1:94,008,764, plus strand): 5'-AACTGTGGATCTAACCAGCACCTCCAAACTCATACCCATTCCCTTACCTTGGTTAGTTCA[T>G]GTAGCCTTAAGATGTCAGTTTTATTTCCACCAGTAATAATTCTTTGTCTTTCTTCAGCCA-3'
Protein context (NP_000341.2, residues 1931-1951): GGNKTDILRL[His1941Pro]ELTKIYPGTS